The following is an entry in ClinVar:

NM_001372.4(DNAH9):c.7718+5G>A

Gene: DNAH9 (dynein axonemal heavy chain 9; plus strand). Cytogenetic location: 17p12.
Variant type: single nucleotide variant.
Coding change: c.7718+5G>A on transcript NM_001372.4 (MANE Select); 5 bases into the intron after coding-DNA position 7718, G replaced by A.
Molecular consequence: intron variant.
Genome position (GRCh38, 1-based): chr17:11,781,179, G>A. VCF-style: chr17-11781179-G-A. GRCh37 (hg19) VCF-style: chr17-11684496-G-A.
Identifiers: ClinVar variation 1441649 (VCV001441649.6), dbSNP rs1968653085, ClinGen allele CA2247847427.

ClinVar aggregate classification (germline): Uncertain significance (1 of 4 stars; one submission).

Allele frequency attached by ClinVar (database versions not stated): gnomAD exomes below 0.00001; TOPMed below 0.00001.
gnomAD v4.1: 1 of 1,613,490 alleles (0.000062%); highest among the groups gnomAD compares: African/African-American, 0.0013%; no homozygotes.

Submission:

Labcorp Genetics (formerly Invitae), Labcorp
Classification: Uncertain significance. Last evaluated: 2022-01-28. Review status: criteria provided, single submitter. Criteria: Invitae Variant Classification Sherloc (09022015). Collection method: clinical testing. Allele origin: germline.
Comment: This sequence change falls in intron 39 of the DNAH9 gene. It does not directly change the encoded amino acid sequence of the DNAH9 protein. It affects a nucleotide within the consensus splice site. This variant is not present in population databases (gnomAD no frequency). This variant has not been reported in the literature in individuals affected with DNAH9-related conditions. Variants that disrupt the consensus splice site are a relatively common cause of aberrant splicing (PMID: 17576681, 9536098). Algorithms developed to predict the effect of sequence changes on RNA splicing suggest that this variant may disrupt the consensus splice site. In summary, the available evidence is currently insufficient to determine the role of this variant in disease. Therefore, it has been classified as a Variant of Uncertain Significance.

Literature cited by the submitters: PubMed 17576681; PubMed 9536098.